The following is an entry in ClinVar:

ClinVar aggregate classification (germline): Uncertain significance (1 of 4 stars; one submission).

Submission:

Labcorp Genetics (formerly Invitae), Labcorp
Classification: Uncertain significance. Last evaluated: 2022-01-12. Review status: criteria provided, single submitter. Criteria: Invitae Variant Classification Sherloc (09022015). Collection method: clinical testing. Allele origin: germline.
Comment: This variant, c.2565_2567del, results in the deletion of 1 amino acid(s) of the CDHR1 protein (p.Asn855del), but otherwise preserves the integrity of the reading frame. This variant is not present in population databases (gnomAD no frequency). This variant has not been reported in the literature in individuals affected with CDHR1-related conditions. Experimental studies and prediction algorithms are not available or were not evaluated, and the functional significance of this variant is currently unknown. In summary, the available evidence is currently insufficient to determine the role of this variant in disease. Therefore, it has been classified as a Variant of Uncertain Significance.

NM_033100.4(CDHR1):c.2562CAA[1] (p.Asn855del)

Gene: CDHR1 (cadherin related family member 1; plus strand). Cytogenetic location: 10q23.1.
Variant type: Microsatellite.
Coding change: c.2562CAA[1] on transcript NM_033100.4 (MANE Select); one copy of the 3-base unit CAA starting at c.2562; the reference has two copies in a row; one copy, 3 bases deleted.
Protein change: p.Asn855del; deletes asparagine 855.
Molecular consequence: inframe deletion. On other transcripts: intron variant (1).
Genome position (GRCh38, 1-based): chr10:84,214,606-84,214,608, CAA deleted; deleting any 3 consecutive bases within chr10:84,214,602-84,214,608 gives the same sequence; the position shown is the placement nearest the transcript's 3' end. VCF-style (leftmost placement, unchanged base first): chr10-84214601-CACA-C. GRCh37 (hg19) VCF-style: chr10-85974357-CACA-C.
Other names: c.2040+1258_2040+1260del (NM_001171971.3); short protein forms N855del.
Identifiers: ClinVar variation 2069716 (VCV002069716.4), dbSNP rs1242103648, ClinGen allele CA669229189.
Genomic context (GRCh38, chr10:84,214,601, plus strand): 5'-AGCCCCGTCCAGTCAACTCTGATCTCTGAGCTCAAGCAAAAGTTTGAGAAGAAGAGTGTG[CACA>C]ACAAGGCTTACTTCTAGTGTATGCCCTATGACCCCCCATCTTTCCTCCGCCCCTGACCCC-3'